The following is an entry in ClinVar:

NM_173602.3(DIP2B):c.1635G>C (p.Gln545His)

Gene: DIP2B (DIP2 acetate--CoA ligase B (putative); plus strand). Cytogenetic location: 12q13.12.
Variant type: single nucleotide variant.
Coding change: c.1635G>C on transcript NM_173602.3 (MANE Select); coding-DNA position 1635, G replaced by C.
Protein change: p.Gln545His; replaces glutamine 545 with histidine.
Molecular consequence: missense variant.
Genome position (GRCh38, 1-based): chr12:50,691,132, G>C. VCF-style: chr12-50691132-G-C. GRCh37 (hg19) VCF-style: chr12-51084915-G-C.
Other names: short protein forms Q545H.
Identifiers: ClinVar variation 4987799 (VCV004987799.1).

ClinVar aggregate classification (germline): Uncertain significance (1 of 4 stars; one submission).

Conditions:
DIP2B-related disorder. Also called: DIP2B-related condition.

Submission:

PreventionGenetics, part of Exact Sciences
Classification: Uncertain significance for DIP2B-related condition. Last evaluated: 2026-01-14. Review status: criteria provided, single submitter. Criteria: ACMG Guidelines, 2015. Collection method: clinical testing. Allele origin: germline.
Comment: The DIP2B c.1635G>C variant is predicted to result in the amino acid substitution p.Gln545His. To our knowledge, this variant has not been reported in the literature or in a large population database (gnomAD), indicating this variant is rare. At this time, the clinical significance of this variant is uncertain due to the absence of conclusive functional and genetic evidence.